The following is an entry in ClinVar:

NM_020922.5(WNK3):c.69A>C (p.Glu23Asp)

Gene: WNK3 (WNK lysine deficient protein kinase 3; minus strand). Cytogenetic location: Xp11.22.
Variant type: single nucleotide variant.
Coding change: c.69A>C on transcript NM_020922.5 (MANE Select); coding-DNA position 69, A replaced by C.
Protein change: p.Glu23Asp; replaces glutamic acid 23 with aspartic acid.
Molecular consequence: missense variant.
Genome position (GRCh38, 1-based): chrX:54,333,605, T>G on the plus strand (A>C on the coding strand, the complement: WNK3 is on the minus strand). VCF-style: chrX-54333605-T-G. GRCh37 (hg19) VCF-style: chrX-54360038-T-G.
Other names: c.69A>C, p.Glu23Asp (NM_001002838.4, NM_001395166.1); short protein forms E23D.
Identifiers: ClinVar variation 3982243 (VCV003982243.5).

ClinVar aggregate classification (germline): Conflicting classifications of pathogenicity. Review status: criteria provided, conflicting classifications (1 of 4 stars). 2 submissions from 2 submitters: Uncertain significance (1); Likely benign (1). Last evaluated 2026-01-01.

gnomAD v4.1: 38 of 1,206,650 alleles (0.0031%); highest among the groups gnomAD compares: Non-Finnish European, 0.0041%; no homozygotes.

Submissions (2):

CeGaT Center for Human Genetics Tuebingen
Classification: Likely benign. Last evaluated: 2026-01-01. Review status: criteria provided, single submitter. Criteria: CeGaT Center For Human Genetics Tuebingen Variant Classification Criteria Version 2. Collection method: clinical testing. Allele origin: germline. Affected: yes. Observed: 1 variant allele.
Comment: WNK3: BP4, BS2

Ambry Genetics
Classification: Uncertain significance. Last evaluated: 2025-03-28. Review status: criteria provided, single submitter. Criteria: Ambry Variant Classification Scheme 2023. Collection method: clinical testing. Allele origin: germline.